The following is an entry in ClinVar:

NM_007294.4(BRCA1):c.5193+2545G>A

Gene: BRCA1 (BRCA1 DNA repair associated; minus strand). Cytogenetic location: 17q21.31.
Variant type: single nucleotide variant.
Coding change: c.5193+2545G>A on transcript NM_007294.4 (MANE Select); 2545 bases into the intron after coding-DNA position 5193, G replaced by A.
Molecular consequence: intron variant.
Genome position (GRCh38, 1-based): chr17:43,060,788, C>T on the plus strand (G>A on the coding strand, the complement: BRCA1 is on the minus strand). VCF-style: chr17-43060788-C-T. GRCh37 (hg19) VCF-style: chr17-41212805-C-T.
Other names: IVS 19+2545G>A; c.1740+2545G>A (NM_001408458.1, NM_001408461.1, NM_001408464.1 and 7 more transcripts); c.4302+2545G>A (NM_001407967.1); c.4812+2545G>A (NM_001407959.1); c.4926+2545G>A (NM_001407931.1, NM_001407932.1, NM_001407928.1 and 4 more transcripts); c.5049+2545G>A (NM_001407747.1, NM_001407745.1, NM_001407737.1 and 21 more transcripts); c.4809+2545G>A (NM_001407962.1, NM_001407960.1); c.1380+2545G>A (NM_001408512.1); and 73 more.
Identifiers: ClinVar variation 209308 (VCV000209308.2), dbSNP rs8077486, ClinGen allele CA276280.

ClinVar aggregate classification (germline): Benign (3 of 4 stars; one submission).

Conditions:
Breast-ovarian cancer, familial, susceptibility to, 1 (BROVCA1). Also called: BRCA1 Hereditary Breast and Ovarian Cancer; OVARIAN CANCER, SUSCEPTIBILITY TO. Identifiers: Orphanet 145, MedGen C2676676, MONDO:0011450, OMIM 604370. Disease mechanism: loss of function.

Allele frequency attached by ClinVar (database versions not stated): TOPMed 0.44266; gnomAD 0.44590 and 0.44667; 1000 Genomes Project 30x 0.48954; 1000 Genomes Project 0.48962.
gnomAD v4.1: 67,458 of 151,728 alleles (44%); highest among the groups gnomAD compares: African/African-American, 68%; 16,811 homozygotes.

Submission:

Evidence-based Network for the Interpretation of Germline Mutant Alleles (ENIGMA)
Classification: Benign for Breast-ovarian cancer, familial 1. Last evaluated: 2015-01-12. Review status: reviewed by expert panel. Criteria: ENIGMA BRCA1/2 Classification Criteria (2015). Collection method: curation. Allele origin: germline.
Comment: Class 1 not pathogenic based on frequency >1% in an outbred sampleset. Frequency 0.3304 (Asian), 0.2866 (African), 0.3681 (European), derived from 1000 genomes (2012-04-30).